The following is an entry in ClinVar:

NM_001212.4(C1QBP):c.17G>T (p.Arg6Leu)

Genes: C1QBP (complement C1q binding protein; minus strand), LOC130060075 (ATAC-STARR-seq lymphoblastoid silent region 8070; plus strand). Cytogenetic location: 17p13.2.
Variant type: single nucleotide variant.
Coding change: c.17G>T on transcript NM_001212.4 (MANE Select); coding-DNA position 17, G replaced by T.
Protein change: p.Arg6Leu; replaces arginine 6 with leucine.
Molecular consequence: missense variant.
Genome position (GRCh38, 1-based): chr17:5,439,057, C>A on the plus strand (G>T on the coding strand, the complement: C1QBP is on the minus strand). VCF-style: chr17-5439057-C-A. GRCh37 (hg19) VCF-style: chr17-5342377-C-A.
Other names: c.17G>T (NM_001212.3); short protein forms R6L.
Identifiers: ClinVar variation 1653449 (VCV001653449.10), dbSNP rs56242428, ClinGen allele CA8325365.
Genomic context (GRCh38, chr17:5,439,057, plus strand): 5'-GAGGCGGGCGCGGCAGCGCGGAGGCCGGCGACGGAGGAGCCCAGCACACGGGGCACGCAG[C>A]GCAGCAGAGGCAGCATCGCGGAAACGACTGCGAACACGTGCAGATGCAAAGGACAACCCA-3'
Protein context (NP_001203.1, residues 1-16): MLPLL[Arg6Leu]CVPRVLGSSV

ClinVar aggregate classification (germline): Likely benign. Review status: criteria provided, single submitter (1 of 4 stars). 2 submissions from 2 submitters: Likely benign (1). 1 of the submissions does not count toward it. Last evaluated 2026-01-18.

Conditions:
C1QBP-related disorder. Also called: C1QBP-related condition.

Allele frequency attached by ClinVar (database versions not stated): ExAC 0.00009; gnomAD exomes 0.00071 and 0.00076; gnomAD 0.00085 and 0.00090; 1000 Genomes Project 0.00100; 1000 Genomes Project 30x 0.00109.
gnomAD v4.1: 1,198 of 1,536,818 alleles (0.078%); highest among the groups gnomAD compares: Admixed American, 0.27%; 1 homozygote.

Submissions (2):

Labcorp Genetics (formerly Invitae), Labcorp
Classification: Likely benign. Last evaluated: 2026-01-18. Review status: criteria provided, single submitter. Criteria: Invitae Variant Classification Sherloc (09022015). Collection method: clinical testing. Allele origin: germline.

PreventionGenetics, part of Exact Sciences
Classification: Likely benign for C1QBP-related condition. Last evaluated: 2022-04-28. Review status: no assertion criteria provided. Collection method: clinical testing. Allele origin: germline. Not counted in ClinVar's aggregate classification.
Comment: This variant is classified as likely benign based on ACMG/AMP sequence variant interpretation guidelines (Richards et al. 2015 PMID: 25741868, with internal and published modifications).